The following is an entry in ClinVar:

ClinVar aggregate classification (germline): Pathogenic. Review status: criteria provided, multiple submitters, no conflicts (2 of 4 stars). 3 submissions from 3 submitters: Pathogenic (3). Last evaluated 2026-08-28.

Conditions:
Cardiovascular phenotype. Identifiers: MedGen CN230736.
Hereditary cancer-predisposing syndrome. Also called: Hereditary neoplastic syndrome; Hereditary Cancer Syndrome; Neoplastic Syndromes, Hereditary; Tumor predisposition. Identifiers: Orphanet 140162, MedGen C0027672, MeSH D009386, MONDO:0015356.
Neurofibromatosis, type 1 (NF1). Also called: VON RECKLINGHAUSEN DISEASE; Neurofibromatosis, type I; Peripheral type neurofibromatosis; NEUROFIBROMATOSIS, TYPE I, SOMATIC. Identifiers: Orphanet 636, MedGen C0027831, MONDO:0018975, OMIM 162200. Disease mechanism: loss of function.

Submissions (3):

Ambry Genetics
Classification: Pathogenic for Cardiovascular phenotype; Hereditary cancer-predisposing syndrome. Last evaluated: 2026-08-28. Review status: criteria provided, single submitter. Criteria: Ambry Variant Classification Scheme 2023. Collection method: clinical testing. Allele origin: germline.
Comment: The p.Y489* pathogenic mutation (also known as c.1467T>G), located in coding exon 13 of the NF1 gene, results from a T to G substitution at nucleotide position 1467. This changes the amino acid from a tyrosine to a stop codon within coding exon 13. This variant is considered to be rare based on population cohorts in the Genome Aggregation Database (gnomAD). This alteration is expected to result in loss of function by premature protein truncation or nonsense-mediated mRNA decay. As such, this alteration is interpreted as a disease-causing mutation.

Labcorp Genetics (formerly Invitae), Labcorp
Classification: Pathogenic for Neurofibromatosis, type 1. Last evaluated: 2023-08-23. Review status: criteria provided, single submitter. Criteria: Invitae Variant Classification Sherloc (09022015). Collection method: clinical testing. Allele origin: germline.
Comment: This variant has not been reported in the literature in individuals affected with NF1-related conditions. For these reasons, this variant has been classified as Pathogenic. This sequence change creates a premature translational stop signal (p.Tyr489*) in the NF1 gene. It is expected to result in an absent or disrupted protein product. Loss-of-function variants in NF1 are known to be pathogenic (PMID: 10712197, 23913538). This variant is not present in population databases (gnomAD no frequency).

GeneDx
Classification: Pathogenic. Last evaluated: 2023-03-15. Review status: criteria provided, single submitter. Criteria: GeneDx Variant Classification Process June 2021. Collection method: clinical testing. Allele origin: germline. Affected: yes.
Comment: Nonsense variant predicted to result in protein truncation and nonsense mediated decay in a gene for which loss of function is a known mechanism of disease; Not observed at significant frequency in large population cohorts (gnomAD); This variant is associated with the following publications: (PMID: 23656349)

Literature cited by the submitters: PubMed 10712197 (cited by Labcorp Genetics (formerly Invitae), Labcorp); PubMed 23913538 (cited by Labcorp Genetics (formerly Invitae), Labcorp).

NM_001042492.3(NF1):c.1467T>G (p.Tyr489Ter)

Gene: NF1 (neurofibromin 1; plus strand). Cytogenetic location: 17q11.2.
Variant type: single nucleotide variant.
Coding change: c.1467T>G on transcript NM_001042492.3 (MANE Select); coding-DNA position 1467, T replaced by G.
Protein change: p.Tyr489Ter; replaces tyrosine 489 with a stop codon.
Molecular consequence: nonsense.
Genome position (GRCh38, 1-based): chr17:31,214,525, T>G. VCF-style: chr17-31214525-T-G. GRCh37 (hg19) VCF-style: chr17-29541543-T-G.
Other names: c.1467T>G, p.Tyr489Ter (NM_000267.4, NM_001128147.3); short protein forms Y489*.
Identifiers: ClinVar variation 2579580 (VCV002579580.5), dbSNP rs1567841799, ClinGen allele CA399001576.